The following is an entry in ClinVar:

NM_001943.5(DSG2):c.1960C>T (p.Leu654=)

Gene: DSG2 (desmoglein 2; plus strand). Cytogenetic location: 18q12.1.
Variant type: single nucleotide variant.
Coding change: c.1960C>T on transcript NM_001943.5 (MANE Select); coding-DNA position 1960, C replaced by T.
Protein change: p.Leu654=; no amino-acid change (leucine 654 retained).
Molecular consequence: synonymous variant.
Genome position (GRCh38, 1-based): chr18:31,541,273, C>T. VCF-style: chr18-31541273-C-T. GRCh37 (hg19) VCF-style: chr18-29121236-C-T.
Identifiers: ClinVar variation 924739 (VCV000924739.5), dbSNP rs754792258, ClinGen allele CA044405.

ClinVar aggregate classification (germline): Likely benign. Review status: criteria provided, multiple submitters, no conflicts (2 of 4 stars). 3 submissions from 3 submitters: Likely benign (3). Last evaluated 2024-12-04.

Conditions:
Cardiomyopathy (CMYO). Also called: Cardiomyopathies. Identifiers: Orphanet 167848, MedGen C0878544, MONDO:0004994, HP:0001638. Inheritance: Various modes of inheritance.
Arrhythmogenic right ventricular cardiomyopathy (ARVD). Also called: Arrhythmogenic cardiomyopathy; Cardiomyopathy, ARVC; Arrhythmogenic right ventricular dysplasia; Arrhythmogenic Right Ventricular Cardiomyopathy (ARVC). Identifiers: Orphanet 247, MedGen C0349788, MeSH D019571, MONDO:0016587. Disease mechanism: loss of function. Inheritance: Various modes of inheritance.
Arrhythmogenic right ventricular dysplasia 10. Also called: Arrhythmogenic Right Ventricular Dysplasia/Cardiomyopathy10; ARRHYTHMOGENIC RIGHT VENTRICULAR DYSPLASIA, FAMILIAL, 10; Arrhythmogenic right ventricular dysplasia/cardiomyopathy, type 10. Identifiers: MedGen C1857777, MONDO:0012434, OMIM 610193.

Allele frequency attached by ClinVar (database versions not stated): gnomAD exomes below 0.00001 and 0.00001; TOPMed below 0.00001; ExAC 0.00002.
gnomAD v4.1: 6 of 1,614,084 alleles (0.00037%); highest among the groups gnomAD compares: East Asian, 0.013%; no homozygotes.

Submissions (3):

Labcorp Genetics (formerly Invitae), Labcorp
Classification: Likely benign for Arrhythmogenic right ventricular dysplasia 10. Last evaluated: 2024-12-04. Review status: criteria provided, single submitter. Criteria: Invitae Variant Classification Sherloc (09022015). Collection method: clinical testing. Allele origin: germline.

All of Us Research Program, National Institutes of Health
Classification: Likely benign for Arrhythmogenic right ventricular cardiomyopathy. Last evaluated: 2024-01-03. Review status: criteria provided, single submitter. Criteria: ACMG Guidelines, 2015. Collection method: clinical testing. Allele origin: germline. Inheritance: Autosomal dominant inheritance. Observed: 1 variant allele, 1 heterozygote.
Comment: This study involves interpretation of variants in research participants for the purpose of population health screening. Participant phenotype was not available at the time of variant classification. Additional details can be found in publication PMID: 35346344, PMCID: PMC8962531

Color Diagnostics, LLC DBA Color Health
Classification: Likely benign for Cardiomyopathy. Last evaluated: 2019-06-18. Review status: criteria provided, single submitter. Criteria: ACMG Guidelines, 2015. Collection method: clinical testing. Allele origin: germline.